The following is an entry in ClinVar:

NM_177438.3(DICER1):c.3113G>T (p.Cys1038Phe)

Gene: DICER1 (dicer 1, ribonuclease III; minus strand). Cytogenetic location: 14q32.13.
Variant type: single nucleotide variant.
Coding change: c.3113G>T on transcript NM_177438.3 (MANE Select); coding-DNA position 3113, G replaced by T.
Protein change: p.Cys1038Phe; replaces cysteine 1038 with phenylalanine.
Molecular consequence: missense variant.
Genome position (GRCh38, 1-based): chr14:95,105,227, C>A on the plus strand (G>T on the coding strand, the complement: DICER1 is on the minus strand). VCF-style: chr14-95105227-C-A. GRCh37 (hg19) VCF-style: chr14-95571564-C-A.
Other names: c.3113G>T, p.Cys1038Phe (NM_001195573.1, NM_001271282.3, NM_001291628.2 and 1 more transcripts); short protein forms C1038F.
Identifiers: ClinVar variation 849157 (VCV000849157.13), dbSNP rs1891308608, ClinGen allele CA390876903.
Genomic context (GRCh38, chr14:95,105,227, plus strand): 5'-AGTATGCTGGGGAGACAAACAGCTTTTCTCCACAGTGATGCTGGAATTGGATGTATAGCA[C>A]AGAGTTCTGGAACCAGTATCTTCAAGTAAGGGGAAAAATGGACAGATAAATACAAAGCGC-3'
Protein context (NP_803187.1, residues 1028-1048): QNKQILVPEL[Cys1038Phe]AIHPIPASLW

ClinVar aggregate classification (germline): Uncertain significance. Review status: criteria provided, multiple submitters, no conflicts (2 of 4 stars). 2 submissions from 2 submitters: Uncertain significance (2). Last evaluated 2022-08-09.

Conditions:
DICER1-related tumor predisposition. Also called: DICER1 syndrome; DICER1-related pleuropulmonary blastoma cancer predisposition syndrome. Identifiers: Orphanet 284343, MedGen C3839822, MONDO:0100216.

Submissions (2):

Labcorp Genetics (formerly Invitae), Labcorp
Classification: Uncertain significance for DICER1-related tumor predisposition. Last evaluated: 2022-08-09. Review status: criteria provided, single submitter. Criteria: Invitae Variant Classification Sherloc (09022015). Collection method: clinical testing. Allele origin: germline.
Comment: ClinVar contains an entry for this variant (Variation ID: 849157). In summary, the available evidence is currently insufficient to determine the role of this variant in disease. Therefore, it has been classified as a Variant of Uncertain Significance. Algorithms developed to predict the effect of missense changes on protein structure and function are either unavailable or do not agree on the potential impact of this missense change (SIFT: "Tolerated"; PolyPhen-2: "Probably Damaging"; Align-GVGD: "Class C0"). This variant is not present in population databases (gnomAD no frequency). This variant has not been reported in the literature in individuals affected with DICER1-related conditions. This sequence change replaces cysteine, which is neutral and slightly polar, with phenylalanine, which is neutral and non-polar, at codon 1038 of the DICER1 protein (p.Cys1038Phe).

Foulkes Cancer Genetics LDI, Lady Davis Institute for Medical Research
Classification: Uncertain significance. Last evaluated: 2019-07-01. Review status: criteria provided, single submitter. Criteria: ACMG Guidelines, 2015. Collection method: curation. Allele origin: somatic. Affected: yes. Observed: 1 variant allele.
Comment: ACMG criteria met: PM1, PM2, BP1

Literature cited by the submitters: PubMed 30266945 (cited by Foulkes Cancer Genetics LDI, Lady Davis Institute for Medical Research).